The following is an entry in ClinVar:

ClinVar aggregate classification (germline): Uncertain significance (1 of 4 stars; one submission).

Submission:

GeneDx
Classification: Uncertain significance. Last evaluated: 2026-03-29. Review status: criteria provided, single submitter. Criteria: GeneDx Variant Classification Process June 2021. Collection method: clinical testing. Allele origin: germline.
Comment: Not observed at significant frequency in large population cohorts (gnomAD); In silico analysis suggests that this missense variant does not alter protein structure/function; Has not been previously published as pathogenic or benign to our knowledge

NM_004606.5(TAF1):c.501G>T (p.Leu167Phe)

Gene: TAF1 (TATA-box binding protein associated factor 1; plus strand). Cytogenetic location: Xq13.1.
Variant type: single nucleotide variant.
Coding change: c.501G>T on transcript NM_004606.5 (MANE Select); coding-DNA position 501, G replaced by T.
Protein change: p.Leu167Phe; replaces leucine 167 with phenylalanine.
Molecular consequence: missense variant. On other transcripts: non-coding transcript variant (9), intron variant (2).
Genome position (GRCh38, 1-based): chrX:71,376,978, G>T. VCF-style: chrX-71376978-G-T. GRCh37 (hg19) VCF-style: chrX-70596828-G-T.
Other names: c.501G>T, p.Leu167Phe (NM_001286074.2, NM_001440852.1, NM_001440853.1); c.473-35G>T (NM_001440854.1, NM_138923.4); short protein forms L167F.
Identifiers: ClinVar variation 5017523 (VCV005017523.1).